The following is an entry in ClinVar:

ClinVar aggregate classification (germline): Conflicting classifications of pathogenicity. Review status: criteria provided, conflicting classifications (1 of 4 stars). 2 submissions from 2 submitters: Uncertain significance (1); Likely benign (1). Last evaluated 2023-07-25.

Conditions:
Inborn genetic diseases. Identifiers: MedGen C0950123, MeSH D030342.

Allele frequency attached by ClinVar (database versions not stated): ExAC 0.00002.
gnomAD v4.1: 7 of 1,614,108 alleles (0.00043%); highest among the groups gnomAD compares: East Asian, 0.0067%; no homozygotes.

Submissions (2):

Ambry Genetics
Classification: Likely benign for Inborn genetic diseases. Last evaluated: 2023-07-25. Review status: criteria provided, single submitter. Criteria: Ambry Variant Classification Scheme 2023. Collection method: clinical testing. Allele origin: germline.

Labcorp Genetics (formerly Invitae), Labcorp
Classification: Uncertain significance. Last evaluated: 2022-08-09. Review status: criteria provided, single submitter. Criteria: Invitae Variant Classification Sherloc (09022015). Collection method: clinical testing. Allele origin: germline.
Comment: This variant is present in population databases (rs778408194, gnomAD 0.02%). In summary, the available evidence is currently insufficient to determine the role of this variant in disease. Therefore, it has been classified as a Variant of Uncertain Significance. Algorithms developed to predict the effect of missense changes on protein structure and function output the following: SIFT: "Tolerated"; PolyPhen-2: "Benign"; Align-GVGD: "Class C0". The alanine amino acid residue is found in multiple mammalian species, which suggests that this missense change does not adversely affect protein function. ClinVar contains an entry for this variant (Variation ID: 1355580). This variant has not been reported in the literature in individuals affected with TTLL5-related conditions. This sequence change replaces threonine, which is neutral and polar, with alanine, which is neutral and non-polar, at codon 889 of the TTLL5 protein (p.Thr889Ala).

NM_015072.5(TTLL5):c.2665A>G (p.Thr889Ala)

Gene: TTLL5 (tubulin tyrosine ligase like 5; plus strand). Cytogenetic location: 14q24.3.
Variant type: single nucleotide variant.
Coding change: c.2665A>G on transcript NM_015072.5 (MANE Select); coding-DNA position 2665, A replaced by G.
Protein change: p.Thr889Ala; replaces threonine 889 with alanine.
Molecular consequence: missense variant.
Genome position (GRCh38, 1-based): chr14:75,783,209, A>G. VCF-style: chr14-75783209-A-G. GRCh37 (hg19) VCF-style: chr14-76249552-A-G.
Other names: c.2665A>G (NM_015072.4); short protein forms T889A.
Identifiers: ClinVar variation 1355580 (VCV001355580.7), dbSNP rs778408194, ClinGen allele CA7279793.